The following is an entry in ClinVar:

ClinVar aggregate classification (germline): other (0 of 4 stars; one submission).

Conditions:
Familial colorectal cancer. Identifiers: MedGen CN280943, MONDO:0023113. Disease mechanism: loss of function.

Submission:

Systems Biology Platform Zhejiang California International NanoSystems Institute
Classification: other for Familial colorectal cancer. Review status: no assertion criteria provided. Collection method: not provided. Allele origin: unknown.
ClinVar note: Converted during submission from cancer to other.

NM_000038.6(APC):c.1958+689T>G

Gene: APC (APC regulator of WNT signaling pathway; plus strand). Cytogenetic location: 5q22.2.
Variant type: single nucleotide variant.
Coding change: c.1958+689T>G on transcript NM_000038.6 (MANE Select); 689 bases into the intron after coding-DNA position 1958, T replaced by G.
Molecular consequence: intron variant.
Genome position (GRCh38, 1-based): chr5:112,835,854, T>G. VCF-style: chr5-112835854-T-G. GRCh37 (hg19) VCF-style: chr5-112171551-T-G.
Other names: c.1958+689T>G (NM_001354895.2, NM_001127510.3); c.1988+689T>G (NM_001354897.2); c.1685+689T>G (NM_001354902.2); c.1904+689T>G (NM_001127511.3); c.1883+689T>G (NM_001354898.2); c.1580+689T>G (NM_001354904.2); c.1109+689T>G (NM_001354906.2); c.2012+689T>G (NM_001354896.2); and 5 more.
Identifiers: ClinVar variation 83217 (VCV000083217.2), dbSNP rs77211497, ClinGen allele CA006687.